The following is an entry in ClinVar:

NM_022482.5(GZF1):c.1385C>G (p.Pro462Arg)

Gene: GZF1 (GDNF inducible zinc finger protein 1; plus strand). Cytogenetic location: 20p11.21.
Variant type: single nucleotide variant.
Coding change: c.1385C>G on transcript NM_022482.5 (MANE Select); coding-DNA position 1385, C replaced by G.
Protein change: p.Pro462Arg; replaces proline 462 with arginine.
Molecular consequence: missense variant.
Genome position (GRCh38, 1-based): chr20:23,367,023, C>G. VCF-style: chr20-23367023-C-G. GRCh37 (hg19) VCF-style: chr20-23347660-C-G.
Other names: c.1385C>G, p.Pro462Arg (NM_001317012.2, NM_001317019.1); short protein forms P462R.
Identifiers: ClinVar variation 1499693 (VCV001499693.6), dbSNP rs771163531, ClinGen allele CA9788706.

ClinVar aggregate classification (germline): Uncertain significance (1 of 4 stars; one submission).

Allele frequency attached by ClinVar (database versions not stated): ExAC 0.00002; gnomAD exomes 0.00002 and 0.00003; TOPMed 0.00002; gnomAD 0.00003.
gnomAD v4.1: 50 of 1,612,422 alleles (0.0031%); highest among the groups gnomAD compares: Non-Finnish European, 0.0041%; no homozygotes.

Submission:

Labcorp Genetics (formerly Invitae), Labcorp
Classification: Uncertain significance. Last evaluated: 2021-10-09. Review status: criteria provided, single submitter. Criteria: Invitae Variant Classification Sherloc (09022015). Collection method: clinical testing. Allele origin: germline.
Comment: This sequence change replaces proline with arginine at codon 462 of the GZF1 protein (p.Pro462Arg). The proline residue is moderately conserved and there is a moderate physicochemical difference between proline and arginine. This variant is present in population databases (rs771163531, ExAC 0.005%). This variant has not been reported in the literature in individuals affected with GZF1-related conditions. Algorithms developed to predict the effect of missense changes on protein structure and function are either unavailable or do not agree on the potential impact of this missense change (SIFT: "Not Available"; PolyPhen-2: "Probably Damaging"; Align-GVGD: "Not Available"). In summary, the available evidence is currently insufficient to determine the role of this variant in disease. Therefore, it has been classified as a Variant of Uncertain Significance.